The following is an entry in ClinVar:

NM_000256.3(MYBPC3):c.926+8C>T

Gene: MYBPC3 (myosin binding protein C3; minus strand). Cytogenetic location: 11p11.2.
Variant type: single nucleotide variant.
Coding change: c.926+8C>T on transcript NM_000256.3 (MANE Select); 8 bases into the intron after coding-DNA position 926, C replaced by T.
Molecular consequence: intron variant.
Genome position (GRCh38, 1-based): chr11:47,346,619, G>A on the plus strand (C>T on the coding strand, the complement: MYBPC3 is on the minus strand). VCF-style: chr11-47346619-G-A. GRCh37 (hg19) VCF-style: chr11-47368170-G-A.
Other names: p.?.
Identifiers: ClinVar variation 42804 (VCV000042804.49), dbSNP rs377595584, ClinGen allele CA016105.

ClinVar aggregate classification (germline): Conflicting classifications of pathogenicity. Review status: criteria provided, conflicting classifications (1 of 4 stars). 15 submissions from 14 submitters: Uncertain significance (1); Benign (5); Likely benign (7). 2 of the submissions do not count toward it. Last evaluated 2026-01-31.

Conditions:
Left ventricular noncompaction 10 (LVNC10). Identifiers: Orphanet 154, Orphanet 54260, MedGen C3715165, MONDO:0014163, OMIM 615396.
Cardiomyopathy (CMYO). Also called: Cardiomyopathies. Identifiers: Orphanet 167848, MedGen C0878544, MONDO:0004994, HP:0001638. Inheritance: Various modes of inheritance.
Hypertrophic cardiomyopathy 4. Also called: Familial hypertrophic cardiomyopathy 4. Identifiers: MedGen C1861862, MONDO:0007268, OMIM 115197.
Hypertrophic cardiomyopathy. Also called: HYPERTROPHIC MYOCARDIOPATHY. Identifiers: Orphanet 217569, MedGen C0007194, MeSH D002312, MONDO:0005045, HP:0001639.

Allele frequency attached by ClinVar (database versions not stated): 1000 Genomes Project 30x 0.00031; gnomAD exomes 0.00034 and 0.00068; ExAC 0.00035; 1000 Genomes Project 0.00040; gnomAD 0.00042; ESP Exome Variant Server 0.00073; TOPMed 0.00082.
gnomAD v4.1: 1,134 of 1,586,860 alleles (0.071%); highest among the groups gnomAD compares: Non-Finnish European, 0.084%; 2 homozygotes.

Submissions (15):

Labcorp Genetics (formerly Invitae), Labcorp
Classification: Likely benign for Hypertrophic cardiomyopathy. Last evaluated: 2026-01-31. Review status: criteria provided, single submitter. Criteria: Invitae Variant Classification Sherloc (09022015). Collection method: clinical testing. Allele origin: germline.

Women's Health and Genetics/Laboratory Corporation of America, LabCorp
Classification: Likely benign. Last evaluated: 2025-09-30. Review status: criteria provided, single submitter. Criteria: LabCorp Variant Classification Summary - May 2015. Collection method: clinical testing. Allele origin: germline.
Comment: Variant summary: MYBPC3 c.926+8C>T alters a nucleotide located at a position not widely known to affect splicing. Consensus agreement among computation tools predict no significant impact on normal splicing. However, these predictions have yet to be confirmed by functional studies. The variant allele was found at a frequency of 0.00034 in 228250 control chromosomes, predominantly at a frequency of 0.00063 within the Non-Finnish European subpopulation in the gnomAD database. This frequency is not significantly higher than estimated for disease-causing variants in MYBPC3, allowing no conclusion about variant significance. c.926+8C>T has been reported in the literature in individuals affected with Hypertrophic Cardiomyopathy. These reports do not provide unequivocal conclusions about association of the variant with Hypertrophic Cardiomyopathy. To our knowledge, no experimental evidence demonstrating an impact on protein function has been reported. The following publication have been ascertained in the context of this evaluation (PMID: 23782526). ClinVar contains an entry for this variant (Variation ID: 42804). Based on the evidence outlined above, the variant was classified as likely benign.

Mayo Clinic Laboratories, Mayo Clinic
Classification: Likely benign. Last evaluated: 2025-09-19. Review status: criteria provided, single submitter. Criteria: ACMG Guidelines, 2015. Collection method: clinical testing. Allele origin: germline. Observed: 1 variant allele.

CeGaT Center for Human Genetics Tuebingen
Classification: Likely benign. Last evaluated: 2025-06-01. Review status: criteria provided, single submitter. Criteria: CeGaT Center For Human Genetics Tuebingen Variant Classification Criteria Version 2. Collection method: clinical testing. Allele origin: germline. Affected: yes. Observed: 1 variant allele.
Comment: MYBPC3: BP4

Molecular Diagnostic Laboratory for Inherited Cardiovascular Disease, Montreal Heart Institute
Classification: Benign. Last evaluated: 2025-04-09. Review status: criteria provided, single submitter. Criteria: ACMG Guidelines, 2015. Collection method: clinical testing. Allele origin: germline. Affected: no.

Blueprint Genetics
Classification: Likely benign. Last evaluated: 2024-11-06. Review status: criteria provided, single submitter. Criteria: ACMG Guidelines, 2015. Collection method: clinical testing. Allele origin: germline.

CHEO Genetics Diagnostic Laboratory, Children's Hospital of Eastern Ontario
Classification: Likely benign for Cardiomyopathy. Last evaluated: 2023-04-03. Review status: criteria provided, single submitter. Criteria: ACMG Guidelines, 2015. Collection method: clinical testing. Allele origin: germline.

Illumina Laboratory Services, Illumina
Classification: Uncertain significance for Hypertrophic cardiomyopathy 4. Last evaluated: 2018-01-13. Review status: criteria provided, single submitter. Criteria: ICSL Variant Classification Criteria 13 December 2019. Collection method: clinical testing. Allele origin: germline.

Illumina Laboratory Services, Illumina
Classification: Benign for Left ventricular noncompaction 10. Last evaluated: 2018-01-13. Review status: criteria provided, single submitter. Criteria: ICSL Variant Classification Criteria 13 December 2019. Collection method: clinical testing. Allele origin: germline.
Comment: This variant was observed in the ICSL laboratory as part of a predisposition screen in an ostensibly healthy population. It had not been previously curated by ICSL or reported in the Human Gene Mutation Database (HGMD: prior to June 1st, 2018), and was therefore a candidate for classification through an automated scoring system. Utilizing variant allele frequency, disease prevalence and penetrance estimates, and inheritance mode, an automated score was calculated to assess if this variant is too frequent to cause the disease. Based on the score and internal cut-off values, a variant classified as benign is not then subjected to further curation. The score for this variant resulted in a classification of benign for this disease.

Genome Diagnostics Laboratory, University Medical Center Utrecht
Classification: Benign for Hypertrophic cardiomyopathy 4. Last evaluated: 2017-06-27. Review status: criteria provided, single submitter. Criteria: ACGS Guidelines, 2013. Collection method: clinical testing. Allele origin: germline. Affected: yes. Study: VKGL Data-share Consensus.

Clinical Genetics DNA and cytogenetics Diagnostics Lab, Erasmus MC, Erasmus Medical Center
Classification: Benign for Hypertrophic cardiomyopathy 4. Last evaluated: 2015-09-21. Review status: criteria provided, single submitter. Criteria: ACGS Guidelines, 2013. Collection method: clinical testing. Allele origin: germline. Affected: yes. Study: VKGL Data-share Consensus.

Laboratory for Molecular Medicine, Mass General Brigham Personalized Medicine
Classification: Likely benign. Last evaluated: 2015-04-09. Review status: criteria provided, single submitter. Criteria: LMM Criteria. Collection method: clinical testing. Allele origin: germline. Observed: 11 variant alleles.
Comment: c.926+8C>T in intron 11 of MYBPC3: This variant is not expected to have clinical significance because it is not located in the conserved region of the splicing consensus sequence. It has been identified in 33/62508 European chromosomes by t he Exome Aggregation Consortium (ExAC; dbSNP rs3 77595584).

GeneDx
Classification: Benign. Last evaluated: 2015-03-03. Review status: criteria provided, single submitter. Criteria: GeneDx Variant Classification Process June 2021. Collection method: clinical testing. Allele origin: germline. Affected: yes.

Clinical Genetics, Academic Medical Center
Classification: Benign. Review status: no assertion criteria provided. Collection method: clinical testing. Allele origin: germline. Affected: yes. Study: VKGL Data-share Consensus. Not counted in ClinVar's aggregate classification.

Joint Genome Diagnostic Labs from Nijmegen and Maastricht, Radboudumc and MUMC+
Classification: Likely benign. Review status: no assertion criteria provided. Collection method: clinical testing. Allele origin: germline. Affected: yes. Study: VKGL Data-share Consensus. Not counted in ClinVar's aggregate classification.

Literature cited by the submitters: PubMed 23782526 (cited by Women's Health and Genetics/Laboratory Corporation of America, LabCorp).